The following is an entry in ClinVar:

NM_002528.7(NTHL1):c.445C>T (p.Arg149Trp)

Gene: NTHL1 (nth like DNA glycosylase 1; minus strand). Cytogenetic location: 16p13.3.
Variant type: single nucleotide variant.
Coding change: c.445C>T on transcript NM_002528.7 (MANE Select); coding-DNA position 445, C replaced by T.
Protein change: p.Arg149Trp; replaces arginine 149 with tryptophan.
Molecular consequence: missense variant. On other transcripts: intron variant (1).
Genome position (GRCh38, 1-based): chr16:2,044,710, G>A on the plus strand (C>T on the coding strand, the complement: NTHL1 is on the minus strand). VCF-style: chr16-2044710-G-A. GRCh37 (hg19) VCF-style: chr16-2094711-G-A.
Other names: c.445C>T, p.Arg149Trp (LRG_1366t1); c.115C>T, p.Arg39Trp (NM_001318194.2); c.355-984C>T (NM_001318193.2); short protein forms R149W, R39W.
Identifiers: ClinVar variation 664729 (VCV000664729.50), dbSNP rs376048896, ClinGen allele CA7828256.
Genomic context (GRCh38, chr16:2,044,710, plus strand): 5'-AGATGAGCTTGCCCAGCGTGGCATCATCTGTCTGCAGGATGCTGTCCACCGTCAGGCCCC[G>A]CGCCCGCAGTCGCTGCATGGCGCCCGCCGTCACCTGGTCTTTGGTTTGGCTGGAGAGCAT-3'
Protein context (NP_002519.2, residues 139-159): TAGAMQRLRA[Arg149Trp]GLTVDSILQT

ClinVar aggregate classification (germline): Uncertain significance. Review status: criteria provided, multiple submitters, no conflicts (2 of 4 stars). 8 submissions from 8 submitters: Uncertain significance (8). Last evaluated 2026-07-20.

Conditions:
Familial adenomatous polyposis 3. Also called: NTHL1-Related Adenomatous Polyposis and Colorectal Cancer; NTHL1-related attenuated familial adenomatous polyposis; NTHL1 Tumor Syndrome; NTHL1-associated polyposis. Identifiers: Orphanet 220460, Orphanet 454840, MedGen C4225157, MONDO:0014630, OMIM 616415.
NTHL1-related disorder. Also called: NTHL1-related condition; NTHL1-related conditions.
Hereditary cancer-predisposing syndrome. Also called: Neoplastic Syndromes, Hereditary; Hereditary Cancer Syndrome; Tumor predisposition; Hereditary neoplastic syndrome. Identifiers: Orphanet 140162, MedGen C0027672, MeSH D009386, MONDO:0015356.

Allele frequency attached by ClinVar (database versions not stated): ExAC 0.00002; gnomAD exomes 0.00002 and 0.00003; TOPMed 0.00002; gnomAD 0.00004; ESP Exome Variant Server 0.00008.
gnomAD v4.1: 41 of 1,612,310 alleles (0.0025%); highest among the groups gnomAD compares: African/African-American, 0.0053%; no homozygotes.

Submissions (8):

PreventionGenetics, part of Exact Sciences
Classification: Uncertain significance for NTHL1-related condition. Last evaluated: 2026-07-20. Review status: criteria provided, single submitter. Criteria: ACMG Guidelines, 2015. Collection method: clinical testing. Allele origin: germline.
Comment: The NTHL1 c.469C>T variant is predicted to result in the amino acid substitution p.Arg157Trp. To our knowledge, this variant has not been reported in the literature. This variant is reported in 0.0033% of alleles in individuals of South Asian descent in gnomAD. At this time, the clinical significance of this variant is uncertain due to the absence of conclusive functional and genetic evidence.

Labcorp Genetics (formerly Invitae), Labcorp
Classification: Uncertain significance. Last evaluated: 2026-01-16. Review status: criteria provided, single submitter. Criteria: Invitae Variant Classification Sherloc (09022015). Collection method: clinical testing. Allele origin: germline.
Comment: This sequence change replaces arginine, which is basic and polar, with tryptophan, which is neutral and slightly polar, at codon 157 of the NTHL1 protein (p.Arg157Trp). This variant is present in population databases (rs376048896, gnomAD 0.004%). This variant has not been reported in the literature in individuals affected with NTHL1-related conditions. ClinVar contains an entry for this variant (Variation ID: 664729). An algorithm developed to predict the effect of missense changes on protein structure and function outputs the following: PolyPhen-2: "Benign". The tryptophan amino acid residue is found in multiple mammalian species, which suggests that this missense change does not adversely affect protein function. In summary, the available evidence is currently insufficient to determine the role of this variant in disease. Therefore, it has been classified as a Variant of Uncertain Significance.

Quest Diagnostics Nichols Institute San Juan Capistrano
Classification: Uncertain significance. Last evaluated: 2025-07-10. Review status: criteria provided, single submitter. Criteria: Quest Diagnostics criteria. Collection method: clinical testing. Allele origin: unknown.
Comment: The NTHL1 c.469C>T (p.Arg157Trp) variant has been reported in the published literature in an individual with breast cancer (PMID: 33980861 (2021)). The frequency of this variant in the general population (Genome Aggregation Database) is uninformative in the assessment of its pathogenicity. Analysis of this variant using bioinformatics tools for the prediction of the effect of amino acid changes on protein structure and function yielded predictions that this variant is benign. Based on the available information, we are unable to determine the clinical significance of this variant.

Ambry Genetics
Classification: Uncertain significance for Hereditary cancer-predisposing syndrome. Last evaluated: 2025-06-25. Review status: criteria provided, single submitter. Criteria: Ambry Variant Classification Scheme 2023. Collection method: clinical testing. Allele origin: germline.
Comment: The p.R157W variant (also known as c.469C>T), located in coding exon 3 of the NTHL1 gene, results from a C to T substitution at nucleotide position 469. The arginine at codon 157 is replaced by tryptophan, an amino acid with dissimilar properties. This alteration was identified in an individual diagnosed with breast cancer (Li N et al. NPJ Breast Cancer, 2021 May;7:52). This amino acid position is poorly conserved in available vertebrate species. In addition, this alteration is predicted to be tolerated by in silico analysis. Based on the available evidence, the clinical significance of this variant remains unclear.

Molecular Pathology, Peter Maccallum Cancer Centre
Classification: Uncertain significance for Familial adenomatous polyposis 3. Last evaluated: 2025-04-03. Review status: criteria provided, single submitter. Criteria: ACMG Guidelines, 2015. Collection method: clinical testing. Allele origin: germline. Inheritance: Autosomal recessive inheritance.

GeneDx
Classification: Uncertain significance. Last evaluated: 2024-08-08. Review status: criteria provided, single submitter. Criteria: GeneDx Variant Classification Process June 2021. Collection method: clinical testing. Allele origin: germline. Affected: yes.
Comment: Not observed at significant frequency in large population cohorts (gnomAD); In silico analysis indicates that this missense variant does not alter protein structure/function; Observed in an individual with breast cancer (PMID: 33980861); This variant is associated with the following publications: (PMID: 33980861)

Baylor Genetics
Classification: Uncertain significance for Familial adenomatous polyposis 3. Last evaluated: 2023-11-05. Review status: criteria provided, single submitter. Criteria: ACMG Guidelines, 2015. Collection method: clinical testing. Allele origin: unknown.

CeGaT Center for Human Genetics Tuebingen
Classification: Uncertain significance. Last evaluated: 2022-12-01. Review status: criteria provided, single submitter. Criteria: CeGaT Center For Human Genetics Tuebingen Variant Classification Criteria Version 2. Collection method: clinical testing. Allele origin: germline. Affected: yes. Observed: 1 variant allele.

Literature cited by the submitters: PubMed 33980861 (cited by Quest Diagnostics Nichols Institute San Juan Capistrano and Ambry Genetics).